The following is an entry in ClinVar:

ClinVar aggregate classification (germline): Uncertain significance (1 of 4 stars; one submission).

Submission:

Ambry Genetics
Classification: Uncertain significance. Last evaluated: 2024-10-08. Review status: criteria provided, single submitter. Criteria: Ambry Variant Classification Scheme 2023. Collection method: clinical testing. Allele origin: germline.
Comment: The p.H484L variant (also known as c.1451A>T), located in coding exon 15 of the SLMAP gene, results from an A to T substitution at nucleotide position 1451. The histidine at codon 484 is replaced by leucine, an amino acid with similar properties. This amino acid position is conserved. In addition, this alteration is predicted to be tolerated by in silico analysis. Based on the available evidence, the clinical significance of this variant remains unclear.

NM_001377540.1(SLMAP):c.1553A>T (p.His518Leu)

Gene: SLMAP (sarcolemma associated protein; plus strand). Cytogenetic location: 3p14.3.
Variant type: single nucleotide variant.
Coding change: c.1553A>T on transcript NM_001377540.1 (MANE Select); coding-DNA position 1553, A replaced by T.
Protein change: p.His518Leu; replaces histidine 518 with leucine.
Molecular consequence: missense variant. On other transcripts: intron variant (12).
Genome position (GRCh38, 1-based): chr3:57,907,935, A>T. VCF-style: chr3-57907935-A-T. GRCh37 (hg19) VCF-style: chr3-57893662-A-T.
Other names: c.1502A>T, p.His501Leu (NM_001304420.3, NM_001377541.1, NM_001377542.1); c.1388A>T, p.His463Leu (NM_001304421.2, NM_001377557.1, NM_001377559.1); c.104A>T, p.His35Leu (NM_001304422.3, NM_001311178.2); c.1553A>T, p.His518Leu (NM_001377538.1, NM_001377539.1); c.1490A>T, p.His497Leu (NM_001377545.1); c.1451A>T, p.His484Leu (NM_001377549.1, NM_007159.5); c.1439A>T, p.His480Leu (NM_001377551.1, NM_001377552.1); c.1502-1141A>T (NM_001377555.1); and 7 more; short protein forms H35L, H463L, H480L, H497L, H484L, H501L, H518L.
Identifiers: ClinVar variation 3445711 (VCV003445711.1).